The following is an entry in ClinVar:

ClinVar aggregate classification (germline): Uncertain significance. Review status: criteria provided, multiple submitters, no conflicts (2 of 4 stars). 2 submissions from 2 submitters: Uncertain significance (2). Last evaluated 2022-08-03.

Conditions:
Myopathy, proximal, and ophthalmoplegia (CMYO6). Also called: INCLUSION BODY MYOPATHY 3, AUTOSOMAL DOMINANT; MYOPATHY WITH CONGENITAL JOINT CONTRACTURES, OPHTHALMOPLEGIA, AND RIMMED VACUOLES; CONGENITAL MYOPATHY 6 WITH OPHTHALMOPLEGIA. Identifiers: Orphanet 363677, Orphanet 79091, MedGen C1854106, MONDO:0011577, OMIM 605637.

Allele frequency attached by ClinVar (database versions not stated): TOPMed 0.00001.

Submissions (2):

Revvity Omics, Revvity
Classification: Uncertain significance for Myopathy, proximal, and ophthalmoplegia. Last evaluated: 2022-08-03. Review status: criteria provided, single submitter. Criteria: ACMG Guidelines, 2015. Collection method: clinical testing. Allele origin: germline.

Labcorp Genetics (formerly Invitae), Labcorp
Classification: Uncertain significance for Myopathy, proximal, and ophthalmoplegia. Last evaluated: 2018-01-20. Review status: criteria provided, single submitter. Criteria: Invitae Variant Classification Sherloc (09022015). Collection method: clinical testing. Allele origin: germline.
Comment: This sequence change replaces asparagine with lysine at codon 425 of the MYH2 protein (p.Asn425Lys). The asparagine residue is highly conserved and there is a moderate physicochemical difference between asparagine and lysine. In summary, the available evidence is currently insufficient to determine the role of this variant in disease. Therefore, it has been classified as a Variant of Uncertain Significance. Algorithms developed to predict the effect of missense changes on protein structure and function do not agree on the potential impact of this missense change (SIFT: "Deleterious"; PolyPhen-2: "Benign"; Align-GVGD: "Class C65"). This variant has not been reported in the literature in individuals with MYH2-related disease. This variant is present in population databases (rs151000841, ExAC 0.009%).

NM_017534.6(MYH2):c.1275C>G (p.Asn425Lys)

Genes: MYHAS (myosin heavy chain gene cluster antisense RNA; plus strand), MYH2 (myosin heavy chain 2; minus strand). Cytogenetic location: 17p13.1.
Variant type: single nucleotide variant.
Coding change: c.1275C>G on transcript NM_017534.6 (MANE Select); coding-DNA position 1275, C replaced by G.
Protein change: p.Asn425Lys; replaces asparagine 425 with lysine.
Molecular consequence: missense variant.
Genome position (GRCh38, 1-based): chr17:10,539,346, G>C on the plus strand (C>G on the coding strand, the complement: MYH2 is on the minus strand). VCF-style: chr17-10539346-G-C. GRCh37 (hg19) VCF-style: chr17-10442663-G-C.
Other names: c.1275C>G, p.Asn425Lys (NM_001100112.2); short protein forms N425K.
Identifiers: ClinVar variation 576826 (VCV000576826.8), dbSNP rs151000841, ClinGen allele CA8391397.